The following is an entry in ClinVar:

ClinVar aggregate classification (germline): Likely benign. Review status: criteria provided, single submitter (1 of 4 stars). 2 submissions from 2 submitters: Likely benign (1). 1 of the submissions does not count toward it. Last evaluated 2023-09-04.

Conditions:
TUBB2A-related disorder. Also called: TUBB2A-related condition.

Allele frequency attached by ClinVar (database versions not stated): ExAC 0.00024.

Submissions (2):

Blueprint Genetics
Classification: Likely benign. Last evaluated: 2023-09-04. Review status: criteria provided, single submitter. Criteria: ACMG Guidelines, 2015. Collection method: clinical testing. Allele origin: germline.

PreventionGenetics, part of Exact Sciences
Classification: Likely benign for TUBB2A-related condition. Last evaluated: 2020-01-22. Review status: no assertion criteria provided. Collection method: clinical testing. Allele origin: germline. Not counted in ClinVar's aggregate classification.
Comment: This variant is classified as likely benign based on ACMG/AMP sequence variant interpretation guidelines (Richards et al. 2015 PMID: 25741868, with internal and published modifications).

NM_001069.3(TUBB2A):c.141C>T (p.Ile47=)

Gene: TUBB2A (tubulin beta 2A class IIa; minus strand). Cytogenetic location: 6p25.2.
Variant type: single nucleotide variant.
Coding change: c.141C>T on transcript NM_001069.3 (MANE Select); coding-DNA position 141, C replaced by T.
Protein change: p.Ile47=; no amino-acid change (isoleucine 47 retained).
Molecular consequence: synonymous variant. On other transcripts: 5 prime UTR variant (1).
Genome position (GRCh38, 1-based): chr6:3,156,069, G>A on the plus strand (C>T on the coding strand, the complement: TUBB2A is on the minus strand). VCF-style: chr6-3156069-G-A. GRCh37 (hg19) VCF-style: chr6-3156303-G-A.
Other names: c.-247C>T (NM_001310315.2).
Identifiers: ClinVar variation 3051708 (VCV003051708.3), dbSNP rs777811455, ClinGen allele CA3619077.